The following is an entry in ClinVar:

NM_000553.6(WRN):c.4293T>G (p.Phe1431Leu)

Genes: WRN (WRN RecQ like helicase; plus strand), LOC126860342 (MED14-independent group 3 enhancer GRCh37_chr8:31029565-31030764; plus strand). Cytogenetic location: 8p12.
Variant type: single nucleotide variant.
Coding change: c.4293T>G on transcript NM_000553.6 (MANE Select); coding-DNA position 4293, T replaced by G.
Protein change: p.Phe1431Leu; replaces phenylalanine 1431 with leucine.
Molecular consequence: missense variant.
Genome position (GRCh38, 1-based): chr8:31,173,096, T>G. VCF-style: chr8-31173096-T-G. GRCh37 (hg19) VCF-style: chr8-31030612-T-G.
Other names: short protein forms F1431L.
Identifiers: ClinVar variation 1720388 (VCV001720388.6), dbSNP rs2536089456, ClinGen allele CA370911944.

ClinVar aggregate classification (germline): Uncertain significance (1 of 4 stars; one submission).

Conditions:
Werner syndrome (WRN). Identifiers: Orphanet 902, MedGen C0043119, MONDO:0010196, OMIM 277700.

Submission:

Labcorp Genetics (formerly Invitae), Labcorp
Classification: Uncertain significance for Werner syndrome. Last evaluated: 2022-09-26. Review status: criteria provided, single submitter. Criteria: Invitae Variant Classification Sherloc (09022015). Collection method: clinical testing. Allele origin: germline.
Comment: This sequence change replaces phenylalanine, which is neutral and non-polar, with leucine, which is neutral and non-polar, at codon 1431 of the WRN protein (p.Phe1431Leu). This variant is not present in population databases (gnomAD no frequency). This variant has not been reported in the literature in individuals affected with WRN-related conditions. Algorithms developed to predict the effect of missense changes on protein structure and function are either unavailable or do not agree on the potential impact of this missense change (SIFT: "Not Available"; PolyPhen-2: "Possibly Damaging"; Align-GVGD: "Not Available"). In summary, the available evidence is currently insufficient to determine the role of this variant in disease. Therefore, it has been classified as a Variant of Uncertain Significance.